The following is an entry in ClinVar:

ClinVar aggregate classification (germline): Uncertain significance. Review status: criteria provided, multiple submitters, no conflicts (2 of 4 stars). 5 submissions from 5 submitters: Uncertain significance (4). 1 of the submissions does not count toward it. Last evaluated 2024-12-12.

Conditions:
RPGRIP1L-related disorder. Also called: RPGRIP1L-related disorders; RPGRIP1L-related condition. Identifiers: MedGen CN239416.
Meckel-Gruber syndrome. Also called: GRUBER SYNDROME; Dysencephalia splachnocystica; DYSENCEPHALIA SPLANCHNOCYSTICA. Identifiers: Orphanet 564, MedGen C0265215, MONDO:0018921.
Joubert syndrome. Also called: JOUBERT-BOLTSHAUSER SYNDROME; Familial aplasia of the vermis. Identifiers: Orphanet 475, MedGen C5979921, MONDO:0018772.
COACH syndrome 1. Identifiers: Orphanet 1454, MedGen C5435651, MONDO:0800103, OMIM 216360, MONDO:0008996.

Allele frequency attached by ClinVar (database versions not stated): gnomAD 0.00003 and 0.00004; TOPMed 0.00003; ExAC 0.00004; gnomAD exomes 0.00004 and 0.00005; 1000 Genomes Project 30x 0.00031; 1000 Genomes Project 0.00040.
gnomAD v4.1: 67 of 1,613,064 alleles (0.0042%); highest among the groups gnomAD compares: Non-Finnish European, 0.0055%; no homozygotes.

Submissions (5):

PreventionGenetics, part of Exact Sciences
Classification: Uncertain significance for RPGRIP1L-related condition. Last evaluated: 2024-12-12. Review status: criteria provided, single submitter. Criteria: ACMG Guidelines, 2015. Collection method: clinical testing. Allele origin: germline.
Comment: The RPGRIP1L c.767C>T variant is predicted to result in the amino acid substitution p.Thr256Ile. To our knowledge, this variant has not been reported in the literature. This variant is reported in 0.011% of alleles in individuals of European (Non-Finnish) descent in gnomAD. At this time, the clinical significance of this variant is uncertain due to the absence of conclusive functional and genetic evidence.

Labcorp Genetics (formerly Invitae), Labcorp
Classification: Uncertain significance for Joubert syndrome; Meckel-Gruber syndrome. Last evaluated: 2024-10-28. Review status: criteria provided, single submitter. Criteria: Invitae Variant Classification Sherloc (09022015). Collection method: clinical testing. Allele origin: germline.
Comment: This sequence change replaces threonine, which is neutral and polar, with isoleucine, which is neutral and non-polar, at codon 256 of the RPGRIP1L protein (p.Thr256Ile). This variant is present in population databases (rs151174849, gnomAD 0.01%). This variant has not been reported in the literature in individuals affected with RPGRIP1L-related conditions. ClinVar contains an entry for this variant (Variation ID: 461759). Invitae Evidence Modeling of protein sequence and biophysical properties (such as structural, functional, and spatial information, amino acid conservation, physicochemical variation, residue mobility, and thermodynamic stability) indicates that this missense variant is expected to disrupt RPGRIP1L protein function with a positive predictive value of 80%. In summary, the available evidence is currently insufficient to determine the role of this variant in disease. Therefore, it has been classified as a Variant of Uncertain Significance.

Blueprint Genetics
Classification: Uncertain significance. Last evaluated: 2023-12-11. Review status: criteria provided, single submitter. Criteria: ACMG Guidelines, 2015. Collection method: clinical testing. Allele origin: germline.

Baylor Genetics
Classification: Uncertain significance for COACH syndrome 1. Last evaluated: 2018-07-19. Review status: criteria provided, single submitter. Criteria: ACMG Guidelines, 2015. Collection method: clinical testing. Allele origin: unknown. Affected: yes.
Comment: This variant was determined to be of uncertain significance according to ACMG Guidelines, 2015 [PMID:25741868].

Natera, Inc.
Classification: Uncertain significance for Joubert syndrome. Last evaluated: 2020-08-25. Review status: no assertion criteria provided. Collection method: clinical testing. Allele origin: germline. Not counted in ClinVar's aggregate classification.

NM_015272.5(RPGRIP1L):c.767C>T (p.Thr256Ile)

Gene: RPGRIP1L (RPGRIP1 like; minus strand). Cytogenetic location: 16q12.2.
Variant type: single nucleotide variant.
Coding change: c.767C>T on transcript NM_015272.5 (MANE Select); coding-DNA position 767, C replaced by T.
Protein change: p.Thr256Ile; replaces threonine 256 with isoleucine.
Molecular consequence: missense variant.
Genome position (GRCh38, 1-based): chr16:53,686,442, G>A on the plus strand (C>T on the coding strand, the complement: RPGRIP1L is on the minus strand). VCF-style: chr16-53686442-G-A. GRCh37 (hg19) VCF-style: chr16-53720354-G-A.
Other names: c.767C>T (NM_015272.4); c.767C>T, p.Thr256Ile (NM_001127897.4, NM_001308334.3, NM_001330538.2); short protein forms T256I.
Identifiers: ClinVar variation 461759 (VCV000461759.11), dbSNP rs151174849, ClinGen allele CA8058034.